The following is an entry in ClinVar:

ClinVar aggregate classification (germline): Likely benign (1 of 4 stars; one submission).

Allele frequency attached by ClinVar (database versions not stated): TOPMed below 0.00001; gnomAD 0.00001 and 0.00002.
gnomAD v4.1: 13 of 1,613,766 alleles (0.00081%); highest among the groups gnomAD compares: South Asian, 0.0033%; no homozygotes.

Submission:

GeneDx
Classification: Likely benign. Last evaluated: 2013-11-26. Review status: criteria provided, single submitter. Criteria: GeneDx Variant Classification (06012015). Collection method: clinical testing. Allele origin: germline. Affected: yes.
Comment: This variant is considered likely benign or benign based on one or more of the following criteria: it is a conservative change, it occurs at a poorly conserved position in the protein, it is predicted to be benign by multiple in silico algorithms, and/or has population frequency not consistent with disease.

NM_005002.5(NDUFA9):c.580G>A (p.Ala194Thr)

Gene: NDUFA9 (NADH:ubiquinone oxidoreductase subunit A9; plus strand). Cytogenetic location: 12p13.32.
Variant type: single nucleotide variant.
Coding change: c.580G>A on transcript NM_005002.5 (MANE Select); coding-DNA position 580, G replaced by A.
Protein change: p.Ala194Thr; replaces alanine 194 with threonine.
Molecular consequence: missense variant.
Genome position (GRCh38, 1-based): chr12:4,662,560, G>A. VCF-style: chr12-4662560-G-A. GRCh37 (hg19) VCF-style: chr12-4771726-G-A.
Other names: short protein forms A194T.
Identifiers: ClinVar variation 214713 (VCV000214713.1), dbSNP rs863224085, ClinGen allele CA323409.